The following is an entry in ClinVar:

NC_000002.11:g.(?_170344296)_(170382206_?)dup

Genes: BBS5 (Bardet-Biedl syndrome 5; plus strand), KLHL41 (kelch like family member 41; plus strand). Cytogenetic location: 2q31.1.
Variant type: Duplication.
Identifiers: ClinVar variation 2427372 (VCV002427372.3).

ClinVar aggregate classification (germline): Uncertain significance (1 of 4 stars; one submission).

Conditions:
Bardet-Biedl syndrome (BBS). Identifiers: Orphanet 110, MedGen C0752166, MONDO:0015229.

Submission:

Labcorp Genetics (formerly Invitae), Labcorp
Classification: Uncertain significance for Bardet-Biedl syndrome. Last evaluated: 2022-07-12. Review status: criteria provided, single submitter. Criteria: Invitae Variant Classification Sherloc (09022015). Collection method: clinical testing. Allele origin: germline.
Comment: This variant results in a copy number gain of the genomic region encompassing exon(s) 4-12 of the BBS5 gene. This region includes the termination codon of the gene. This copy number gain extends beyond the assayed region for this gene and therefore may encompass additional genes. As the precise location of this event is unknown, it may be in tandem or it may be located elsewhere in the genome. This variant has not been reported in the literature in individuals affected with BBS5-related conditions. Experimental studies and prediction algorithms are not available or were not evaluated, and the functional significance of this variant is currently unknown. In summary, the available evidence is currently insufficient to determine the role of this variant in disease. Therefore, it has been classified as a Variant of Uncertain Significance.